The following is an entry in ClinVar:

NM_031857.2(PCDHA9):c.1383G>A (p.Thr461=)

Genes: PCDHA1 (protocadherin alpha 1; plus strand), PCDHA2 (protocadherin alpha 2; plus strand), PCDHA3 (protocadherin alpha 3; plus strand), PCDHA4 (protocadherin alpha 4; plus strand), PCDHA5 (protocadherin alpha 5; plus strand) and 5 more. Cytogenetic location: 5q31.3.
Variant type: single nucleotide variant.
Coding change: c.1383G>A on transcript NM_031857.2 (MANE Select); coding-DNA position 1383, G replaced by A.
Protein change: p.Thr461=; no amino-acid change (threonine 461 retained).
Molecular consequence: synonymous variant. On other transcripts: intron variant (10).
Genome position (GRCh38, 1-based): chr5:140,849,878, G>A. VCF-style: chr5-140849878-G-A. GRCh37 (hg19) VCF-style: chr5-140229463-G-A.
Other names: c.1383G>A, p.Thr461= (NM_014005.5); c.2394+61194G>A (NM_018900.4); c.1602+61986G>A (NM_031411.3); c.2388+52526G>A (NM_018905.3); c.2394+46287G>A (NM_018906.3); c.2385+40306G>A (NM_018907.4); c.2352+25751G>A (NM_018908.3); c.2394+19393G>A (NM_018909.4); and 3 more.
Identifiers: ClinVar variation 3031958 (VCV003031958.2), dbSNP rs558218817, ClinGen allele CA3450453.

ClinVar aggregate classification (germline): Likely benign (0 of 4 stars; one submission).

Conditions:
PCDHA9-related disorder. Also called: PCDHA9-related condition.

Allele frequency attached by ClinVar (database versions not stated): 1000 Genomes Project 30x 0.00016.
gnomAD v4.1: 17 of 1,598,602 alleles (0.0011%); highest among the groups gnomAD compares: Middle Eastern, 0.051%; 2 homozygotes.

Submission:

PreventionGenetics, part of Exact Sciences
Classification: Likely benign for PCDHA9-related condition. Last evaluated: 2020-10-09. Review status: no assertion criteria provided. Collection method: clinical testing. Allele origin: germline.
Comment: This variant is classified as likely benign based on ACMG/AMP sequence variant interpretation guidelines (Richards et al. 2015 PMID: 25741868, with internal and published modifications).